The following is an entry in ClinVar:

ClinVar aggregate classification (germline): Likely pathogenic (1 of 4 stars; one submission).

Conditions:
Schimke immuno-osseous dysplasia (SIOD). Also called: Schimke Immunoosseous Dysplasia. Identifiers: Orphanet 1830, MedGen C0877024, MONDO:0009458, OMIM 242900.

Allele frequency attached by ClinVar (database versions not stated): gnomAD exomes below 0.00001.

Submissions (2):

Labcorp Genetics (formerly Invitae), Labcorp
Classification: Likely pathogenic for Schimke immuno-osseous dysplasia. Last evaluated: 2020-05-06. Review status: criteria provided, single submitter. Criteria: Invitae Variant Classification Sherloc (09022015). Collection method: clinical testing. Allele origin: germline.
Comment: In summary, the currently available evidence indicates that the variant is pathogenic, but additional data are needed to prove that conclusively. Therefore, this variant has been classified as Likely Pathogenic. Donor and acceptor splice site variants typically lead to a loss of protein function (PMID: 16199547), and loss-of-function variants in SMARCAL1 are known to be pathogenic (PMID: 11799392, 20301550). Algorithms developed to predict the effect of sequence changes on RNA splicing suggest that this variant may disrupt the consensus splice site, but this prediction has not been confirmed by published transcriptional studies. This variant has not been reported in the literature in individuals with SMARCAL1-related conditions. This variant is not present in population databases (ExAC no frequency). This sequence change affects a donor splice site in intron 13 of the SMARCAL1 gene. It is expected to disrupt RNA splicing and likely results in an absent or disrupted protein product.

Dr. Peter K. Rogan Lab, Western University
No classification provided (evidence only). Condition: Glioma susceptibility 1. Review status: no classification provided. Collection method: in vitro. Allele origin: not applicable. Functional consequence: retained intron. Not counted in ClinVar's aggregate classification.

Literature cited by the submitters: PubMed 16199547 (cited by Labcorp Genetics (formerly Invitae), Labcorp); PubMed 11799392 (cited by Labcorp Genetics (formerly Invitae), Labcorp); PubMed 20301550 (cited by Labcorp Genetics (formerly Invitae), Labcorp).

NM_014140.4(SMARCAL1):c.2141+1G>A

Gene: SMARCAL1 (SNF2 related chromatin remodeling annealing helicase 1; plus strand). Cytogenetic location: 2q35.
Variant type: single nucleotide variant.
Coding change: c.2141+1G>A on transcript NM_014140.4 (MANE Select); the canonical splice donor site of the intron after coding-DNA position 2141, G replaced by A.
Molecular consequence: splice donor variant.
Genome position (GRCh38, 1-based): chr2:216,464,668, G>A. VCF-style: chr2-216464668-G-A. GRCh37 (hg19) VCF-style: chr2-217329391-G-A.
Other names: c.2141+1G>A (NM_001127207.2).
Identifiers: ClinVar variation 834946 (VCV000834946.9), dbSNP rs1694789584, ClinGen allele CA350502845.
Genomic context (GRCh38, chr2:216,464,668, plus strand): 5'-GAAAGATGCCCTCATTCTCTTCTTCAACAGAACAGCTGAAGCTAAAATCCCATCTGTCAT[G>A]TAAGTGGTCACTAAGTGTCGACCTCTCTCTCTCTCATCTTCAAAAAAAAAAAAAACAACT-3'